The following is an entry in ClinVar:

NM_201384.3(PLEC):c.8801C>A (p.Thr2934Lys)

Gene: PLEC (plectin; minus strand). Cytogenetic location: 8q24.3.
Variant type: single nucleotide variant.
Coding change: c.8801C>A on transcript NM_201384.3 (MANE Select); coding-DNA position 8801, C replaced by A.
Protein change: p.Thr2934Lys; replaces threonine 2934 with lysine.
Molecular consequence: missense variant.
Genome position (GRCh38, 1-based): chr8:143,921,020, G>T on the plus strand (C>A on the coding strand, the complement: PLEC is on the minus strand). VCF-style: chr8-143921020-G-T. GRCh37 (hg19) VCF-style: chr8-144995188-G-T.
Other names: c.8882C>A, p.Thr2961Lys (NM_000445.5); c.5501C>A, p.Thr1834Lys (NM_001410941.1); c.8759C>A, p.Thr2920Lys (NM_201378.4); c.8735C>A, p.Thr2912Lys (NM_201379.3); c.9212C>A, p.Thr3071Lys (NM_201380.4); c.8705C>A, p.Thr2902Lys (NM_201381.3); c.8801C>A, p.Thr2934Lys (NM_201382.4); c.8813C>A, p.Thr2938Lys (NM_201383.3); short protein forms T1834K, T2912K, T2920K, T2961K, T3071K, T2902K, T2934K, T2938K.
Identifiers: ClinVar variation 4986144 (VCV004986144.1).

ClinVar aggregate classification (germline): Uncertain significance (1 of 4 stars; one submission).

Conditions:
PLEC-related disorder. Also called: PLEC-related condition; PLEC-related disorders.

Submission:

PreventionGenetics, part of Exact Sciences
Classification: Uncertain significance for PLEC-related condition. Last evaluated: 2025-04-23. Review status: criteria provided, single submitter. Criteria: ACMG Guidelines, 2015. Collection method: clinical testing. Allele origin: germline.
Comment: The PLEC c.8882C>A variant is predicted to result in the amino acid substitution p.Thr2961Lys. To our knowledge, this variant has not been reported in the literature or in a large population database (gnomAD), indicating this variant is rare. At this time, the clinical significance of this variant is uncertain due to the absence of conclusive functional and genetic evidence.